The following is an entry in ClinVar:

NM_006767.4(LZTR1):c.2474C>T (p.Ala825Val)

Gene: LZTR1 (leucine zipper like post translational regulator 1; plus strand). Cytogenetic location: 22q11.21.
Variant type: single nucleotide variant.
Coding change: c.2474C>T on transcript NM_006767.4 (MANE Select); coding-DNA position 2474, C replaced by T.
Protein change: p.Ala825Val; replaces alanine 825 with valine.
Molecular consequence: missense variant.
Genome position (GRCh38, 1-based): chr22:20,997,299, C>T. VCF-style: chr22-20997299-C-T. GRCh37 (hg19) VCF-style: chr22-21351588-C-T.
Other names: short protein forms A825V.
Identifiers: ClinVar variation 4101831 (VCV004101831.2).

ClinVar aggregate classification (germline): Uncertain significance. Review status: criteria provided, multiple submitters, no conflicts (2 of 4 stars). 2 submissions from 2 submitters: Uncertain significance (2). Last evaluated 2025-07-19.

Conditions:
Cardiovascular phenotype. Identifiers: MedGen CN230736.
Hereditary cancer-predisposing syndrome. Also called: Tumor predisposition; Neoplastic Syndromes, Hereditary; Hereditary neoplastic syndrome; Hereditary Cancer Syndrome. Identifiers: Orphanet 140162, MedGen C0027672, MeSH D009386, MONDO:0015356.

gnomAD v4.1: 1 of 1,613,818 alleles (0.000062%); highest among the groups gnomAD compares: Admixed American, 0.0017%; no homozygotes.

Submissions (2):

Ambry Genetics
Classification: Uncertain significance for Cardiovascular phenotype; Hereditary cancer-predisposing syndrome. Last evaluated: 2025-07-19. Review status: criteria provided, single submitter. Criteria: Ambry Variant Classification Scheme 2023. Collection method: clinical testing. Allele origin: germline.
Comment: The p.A825V variant (also known as c.2474C>T), located in coding exon 21 of the LZTR1 gene, results from a C to T substitution at nucleotide position 2474. The alanine at codon 825 is replaced by valine, an amino acid with similar properties. This amino acid position is conserved. In addition, the in silico prediction for this alteration is inconclusive. Based on the available evidence, the clinical significance of this variant remains unclear.

Labcorp Genetics (formerly Invitae), Labcorp
Classification: Uncertain significance. Last evaluated: 2025-03-18. Review status: criteria provided, single submitter. Criteria: Invitae Variant Classification Sherloc (09022015). Collection method: clinical testing. Allele origin: germline.
Comment: This sequence change replaces alanine, which is neutral and non-polar, with valine, which is neutral and non-polar, at codon 825 of the LZTR1 protein (p.Ala825Val). This variant is present in population databases (no rsID available, gnomAD 0.003%). This variant has not been reported in the literature in individuals affected with LZTR1-related conditions. Invitae Evidence Modeling of protein sequence and biophysical properties (such as structural, functional, and spatial information, amino acid conservation, physicochemical variation, residue mobility, and thermodynamic stability) indicates that this missense variant is not expected to disrupt LZTR1 protein function with a negative predictive value of 80%. In summary, the available evidence is currently insufficient to determine the role of this variant in disease. Therefore, it has been classified as a Variant of Uncertain Significance.